The following is an entry in ClinVar:

NM_001005242.3(PKP2):c.1742_1743del (p.Lys581fs)

Gene: PKP2 (plakophilin 2; minus strand). Cytogenetic location: 12p11.21.
Variant type: Deletion.
Coding change: c.1742_1743del on transcript NM_001005242.3 (MANE Select); coding-DNA positions 1742 to 1743, 2 bases deleted (AA; older notation c.1742_1743delAA).
Protein change: p.Lys581fs; shifts the reading frame from lysine 581.
Molecular consequence: frameshift variant.
Genome position (GRCh38, 1-based): chr12:32,822,563-32,822,564, TT deleted on the plus strand (AA on the coding strand, the reverse complement: PKP2 is on the minus strand); deleting any 2 consecutive bases within chr12:32,822,563-32,822,565 gives the same sequence; the c. name uses the placement nearest the transcript's 3' end. VCF-style (leftmost placement, unchanged base first): chr12-32822562-ATT-A. GRCh37 (hg19) VCF-style: chr12-32975496-ATT-A.
Other names: c.1741_1742delAA, p.Lys581Ilefs (NM_001407155.1, NM_001407161.1); c.1873_1874delAA, p.Lys625Ilefs (NM_001407157.1); c.1414_1415delAA, p.Lys472Ilefs (NM_001407158.1, NM_001407159.1, NM_001407160.1 and 1 more transcripts); c.1874_1875del, p.Lys625fs (NM_004572.4); short protein forms K581fs, K625fs.
Identifiers: ClinVar variation 2022210 (VCV002022210.4), dbSNP rs757849830, ClinGen allele CA2580085398.
Genomic context (GRCh38, chr12:32,822,562, plus strand): 5'-CAATACTTTTGTTGTTGTCAGTCTGGATATTCCGGTTTTGAATATAGATATTCTGGGAAT[ATT>A]TCTCTGGGAGCTCTGCCTCCAGCTGGTAGGAGAGGTTATGAAGAATGCACACACAATTCT-3'

ClinVar aggregate classification (germline): Pathogenic (1 of 4 stars; one submission).

Conditions:
Arrhythmogenic right ventricular dysplasia 9 (ARVD9). Also called: Arrhythmogenic Right Ventricular Dysplasia/Cardiomyopathy 9; ARRHYTHMOGENIC RIGHT VENTRICULAR DYSPLASIA, FAMILIAL, 9. Identifiers: MedGen C1836906, MONDO:0012180, OMIM 609040.

Submission:

Labcorp Genetics (formerly Invitae), Labcorp
Classification: Pathogenic for Arrhythmogenic right ventricular dysplasia 9. Last evaluated: 2022-08-06. Review status: criteria provided, single submitter. Criteria: Invitae Variant Classification Sherloc (09022015). Collection method: clinical testing. Allele origin: germline.
Comment: This variant is not present in population databases (gnomAD no frequency). This variant has not been reported in the literature in individuals affected with PKP2-related conditions. For these reasons, this variant has been classified as Pathogenic. This sequence change creates a premature translational stop signal (p.Lys625Ilefs*15) in the PKP2 gene. It is expected to result in an absent or disrupted protein product. Loss-of-function variants in PKP2 are known to be pathogenic (PMID: 15489853, 23911551).

Literature cited by the submitters: PubMed 15489853; PubMed 23911551.